The following is an entry in ClinVar:

NM_000096.4(CP):c.1954G>A (p.Glu652Lys)

Gene: CP (ceruloplasmin; minus strand). Cytogenetic location: 3q24.
Variant type: single nucleotide variant.
Coding change: c.1954G>A on transcript NM_000096.4 (MANE Select); coding-DNA position 1954, G replaced by A.
Protein change: p.Glu652Lys; replaces glutamic acid 652 with lysine.
Molecular consequence: missense variant.
Genome position (GRCh38, 1-based): chr3:149,186,643, C>T on the plus strand (G>A on the coding strand, the complement: CP is on the minus strand). VCF-style: chr3-149186643-C-T. GRCh37 (hg19) VCF-style: chr3-148904430-C-T.
Other names: short protein forms E652K.
Identifiers: ClinVar variation 1449547 (VCV001449547.8), dbSNP rs141425435, ClinGen allele CA2660873.
Genomic context (GRCh38, chr3:149,186,643, plus strand): 5'-TCCGTTCTCCTCTCCACAGATATGTGTTTCCTGAAAAGTATATTCCATGTACATCGGCCT[C>T]ATTTCCGGCGCTGAATAAGTACCACACGACCGAATCTCCTTTGCACATAGTGAGACCCGG-3'
Protein context (NP_000087.2, residues 642-662): VVWYLFSAGN[Glu652Lys]ADVHGIYFSG

ClinVar aggregate classification (germline): Uncertain significance. Review status: criteria provided, multiple submitters, no conflicts (2 of 4 stars). 3 submissions from 3 submitters: Uncertain significance (3). Last evaluated 2026-01-01.

Conditions:
Deficiency of ferroxidase (ACEP). Also called: NEURODEGENERATION WITH BRAIN IRON ACCUMULATION 10; Aceruloplasminemia; Ceruloplasmin deficiency; Familial apoceruloplasmin deficiency; Hereditary ceruloplasmin deficiency; Deficiency of ceruloplasmin. Identifiers: Orphanet 48818, MedGen C0878682, MONDO:0011426, OMIM 604290, HP:0025498.

Allele frequency attached by ClinVar (database versions not stated): gnomAD exomes 0.00001; TOPMed 0.00001; ExAC 0.00002; ESP Exome Variant Server 0.00008.
gnomAD v4.1: 16 of 1,614,080 alleles (0.00099%); highest among the groups gnomAD compares: East Asian, 0.0022%; no homozygotes.

Submissions (3):

CeGaT Center for Human Genetics Tuebingen
Classification: Uncertain significance. Last evaluated: 2026-01-01. Review status: criteria provided, single submitter. Criteria: CeGaT Center For Human Genetics Tuebingen Variant Classification Criteria Version 2. Collection method: clinical testing. Allele origin: germline. Affected: yes. Observed: 1 variant allele.
Comment: CP: PM2, PP3

Labcorp Genetics (formerly Invitae), Labcorp
Classification: Uncertain significance for Deficiency of ferroxidase. Last evaluated: 2022-06-27. Review status: criteria provided, single submitter. Criteria: Invitae Variant Classification Sherloc (09022015). Collection method: clinical testing. Allele origin: germline.
Comment: This sequence change replaces glutamic acid, which is acidic and polar, with lysine, which is basic and polar, at codon 652 of the CP protein (p.Glu652Lys). This variant is present in population databases (rs141425435, gnomAD 0.005%). This variant has not been reported in the literature in individuals affected with CP-related conditions. Algorithms developed to predict the effect of missense changes on protein structure and function (SIFT, PolyPhen-2, Align-GVGD) all suggest that this variant is likely to be disruptive. In summary, the available evidence is currently insufficient to determine the role of this variant in disease. Therefore, it has been classified as a Variant of Uncertain Significance.

Fulgent Genetics
Classification: Uncertain significance for Deficiency of ferroxidase. Last evaluated: 2022-03-09. Review status: criteria provided, single submitter. Criteria: ACMG Guidelines, 2015. Collection method: clinical testing. Allele origin: unknown.